The following is an entry in ClinVar:

NM_001330260.2(SCN8A):c.1657T>C (p.Ser553Pro)

Gene: SCN8A (sodium voltage-gated channel alpha subunit 8; plus strand). Cytogenetic location: 12q13.13.
Variant type: single nucleotide variant.
Coding change: c.1657T>C on transcript NM_001330260.2 (MANE Select); coding-DNA position 1657, T replaced by C.
Protein change: p.Ser553Pro; replaces serine 553 with proline.
Molecular consequence: missense variant.
Genome position (GRCh38, 1-based): chr12:51,721,567, T>C. VCF-style: chr12-51721567-T-C. GRCh37 (hg19) VCF-style: chr12-52115351-T-C.
Other names: c.1657T>C, p.Ser553Pro (NM_001177984.3, NM_001369788.1, NM_014191.4); short protein forms S553P.
Identifiers: ClinVar variation 1349842 (VCV001349842.9), dbSNP rs2138782066, ClinGen allele CA385229303.

ClinVar aggregate classification (germline): Uncertain significance (1 of 4 stars; one submission).

Conditions:
Early-infantile DEE. Also called: Early infantile epileptic encephalopathy; Early infantile epileptic encephalopathy with suppression bursts; Ohtahara syndrome. Identifiers: Orphanet 1934, MedGen C0393706, MONDO:0800491.

Submission:

Labcorp Genetics (formerly Invitae), Labcorp
Classification: Uncertain significance for Early-infantile DEE. Last evaluated: 2021-01-31. Review status: criteria provided, single submitter. Criteria: Invitae Variant Classification Sherloc (09022015). Collection method: clinical testing. Allele origin: germline.
Comment: In summary, the available evidence is currently insufficient to determine the role of this variant in disease. Therefore, it has been classified as a Variant of Uncertain Significance. Algorithms developed to predict the effect of missense changes on protein structure and function are either unavailable or do not agree on the potential impact of this missense change (SIFT: "Deleterious"; PolyPhen-2: "Benign"; Align-GVGD: "Class C0"). This variant has not been reported in the literature in individuals with SCN8A-related conditions. This variant is not present in population databases (ExAC no frequency). This sequence change replaces serine with proline at codon 553 of the SCN8A protein (p.Ser553Pro). The serine residue is highly conserved and there is a moderate physicochemical difference between serine and proline.